The following is an entry in ClinVar:

NM_001206641.3(COA6):c.72T>C (p.Ser24=)

Genes: COA6 (cytochrome c oxidase assembly factor 6; plus strand), COA6-AS1 (COA6 antisense RNA 1; minus strand). Cytogenetic location: 1q42.2.
Variant type: single nucleotide variant.
Coding change: c.72T>C on transcript NM_001206641.3 (MANE Select); coding-DNA position 72, T replaced by C.
Protein change: p.Ser24=; no amino-acid change (serine 24 retained).
Molecular consequence: synonymous variant. On other transcripts: non-coding transcript variant (1).
Genome position (GRCh38, 1-based): chr1:234,373,538, T>C. VCF-style: chr1-234373538-T-C. GRCh37 (hg19) VCF-style: chr1-234509284-T-C.
Other names: c.-181T>C (NM_001012985.2).
Identifiers: ClinVar variation 514919 (VCV000514919.1), dbSNP rs759571894, ClinGen allele CA1459932.

ClinVar aggregate classification (germline): Likely benign (1 of 4 stars; one submission).

Allele frequency attached by ClinVar (database versions not stated): gnomAD 0.00006 and 0.00010; TOPMed 0.00006; gnomAD exomes 0.00007 and 0.00018; 1000 Genomes Project 30x 0.00016; ExAC 0.00018.

Submission:

GeneDx
Classification: Likely benign. Last evaluated: 2018-02-08. Review status: criteria provided, single submitter. Criteria: GeneDx Variant Classification (06012015). Collection method: clinical testing. Allele origin: germline. Affected: yes.
Comment: This variant is considered likely benign or benign based on one or more of the following criteria: it is a conservative change, it occurs at a poorly conserved position in the protein, it is predicted to be benign by multiple in silico algorithms, and/or has population frequency not consistent with disease.